The following is an entry in ClinVar:

NM_031407.7(HUWE1):c.11683G>A (p.Glu3895Lys)

Gene: HUWE1 (HECT, UBA and WWE domain containing E3 ubiquitin protein ligase 1; minus strand). Cytogenetic location: Xp11.22.
Variant type: single nucleotide variant.
Coding change: c.11683G>A on transcript NM_031407.7 (MANE Select); coding-DNA position 11683, G replaced by A.
Protein change: p.Glu3895Lys; replaces glutamic acid 3895 with lysine.
Molecular consequence: missense variant.
Genome position (GRCh38, 1-based): chrX:53,539,030, C>T on the plus strand (G>A on the coding strand, the complement: HUWE1 is on the minus strand). VCF-style: chrX-53539030-C-T. GRCh37 (hg19) VCF-style: chrX-53565991-C-T.
Other names: c.11635G>A, p.Glu3879Lys (NM_001441048.1, NM_001441053.1, NM_001441058.1); c.11638G>A, p.Glu3880Lys (NM_001441049.1, NM_001441054.1); c.11659G>A, p.Glu3887Lys (NM_001441050.1, NM_001441055.1); c.11680G>A, p.Glu3894Lys (NM_001441051.1, NM_001441056.1); c.11281G>A, p.Glu3761Lys (NM_001441052.1); c.11683G>A, p.Glu3895Lys (NM_001441057.1); short protein forms E3761K, E3879K, E3880K, E3887K, E3894K, E3895K.
Identifiers: ClinVar variation 4686953 (VCV004686953.1).

ClinVar aggregate classification (germline): Uncertain significance (1 of 4 stars; one submission).

Submission:

GeneDx
Classification: Uncertain significance. Last evaluated: 2025-07-20. Review status: criteria provided, single submitter. Criteria: GeneDx Variant Classification Process June 2021. Collection method: clinical testing. Allele origin: germline. Affected: yes.
Comment: Not observed at significant frequency in large population cohorts (gnomAD); In silico analysis suggests that this missense variant does not alter protein structure/function; Has not been previously published as pathogenic or benign to our knowledge